The following is an entry in ClinVar:

NM_018557.3(LRP1B):c.6436G>T (p.Val2146Phe)

Gene: LRP1B (LDL receptor related protein 1B; minus strand). Cytogenetic location: 2q22.1.
Variant type: single nucleotide variant.
Coding change: c.6436G>T on transcript NM_018557.3 (MANE Select); coding-DNA position 6436, G replaced by T.
Protein change: p.Val2146Phe; replaces valine 2146 with phenylalanine.
Molecular consequence: missense variant.
Genome position (GRCh38, 1-based): chr2:140,700,613, C>A on the plus strand (G>T on the coding strand, the complement: LRP1B is on the minus strand). VCF-style: chr2-140700613-C-A. GRCh37 (hg19) VCF-style: chr2-141458182-C-A.
Other names: NC_000002.11:g.141458182C>A; short protein forms V2146F.
Identifiers: ClinVar variation 718270 (VCV000718270.7), dbSNP rs145744070, ClinGen allele CA1894571.

ClinVar aggregate classification (germline): Benign. Review status: criteria provided, multiple submitters, no conflicts (2 of 4 stars). 3 submissions from 3 submitters: Benign (2). 1 of the submissions does not count toward it. Last evaluated 2018-08-30.

Conditions:
LRP1B-related disorder. Also called: LRP1B-related condition.

Allele frequency attached by ClinVar (database versions not stated): ESP Exome Variant Server 0.00169; TOPMed 0.00198; 1000 Genomes Project 0.00339; ExAC 0.00349; gnomAD 0.00208 and 0.00167; gnomAD exomes 0.00284 and 0.00368; 1000 Genomes Project 30x 0.00328.
gnomAD v4.1: 4,493 of 1,613,368 alleles (0.28%); highest among the groups gnomAD compares: South Asian, 1.4%; 31 homozygotes.

Submissions (4):

Labcorp Genetics (formerly Invitae), Labcorp
Classification: Benign. Last evaluated: 2018-08-30. Review status: criteria provided, single submitter. Criteria: Invitae Variant Classification Sherloc (09022015). Collection method: clinical testing. Allele origin: germline.

Breakthrough Genomics
Classification: Benign. Review status: criteria provided, single submitter. Criteria: ACMG Guidelines, 2015. Collection method: not provided. Allele origin: germline. Inheritance: Unknown mechanism. Affected: yes.

PreventionGenetics, part of Exact Sciences
Classification: Benign for LRP1B-related condition. Last evaluated: 2019-05-28. Review status: no assertion criteria provided. Collection method: clinical testing. Allele origin: germline. Not counted in ClinVar's aggregate classification.
Comment: This variant is classified as benign based on ACMG/AMP sequence variant interpretation guidelines (Richards et al. 2015 PMID: 25741868, with internal and published modifications).

Dr. Peter K. Rogan Lab, Western University
No classification provided (evidence only). Condition: Thyroid cancer, nonmedullary, 1. Review status: no classification provided. Collection method: in vitro. Allele origin: not applicable. Functional consequence: retained intron. Not counted in ClinVar's aggregate classification.